The following is an entry in ClinVar:

NM_014991.6(WDFY3):c.7815A>G (p.Thr2605=)

Gene: WDFY3 (WD repeat and FYVE domain containing 3; minus strand). Cytogenetic location: 4q21.23.
Variant type: single nucleotide variant.
Coding change: c.7815A>G on transcript NM_014991.6 (MANE Select); coding-DNA position 7815, A replaced by G.
Protein change: p.Thr2605=; no amino-acid change (threonine 2605 retained).
Molecular consequence: synonymous variant.
Genome position (GRCh38, 1-based): chr4:84,716,956, T>C on the plus strand (A>G on the coding strand, the complement: WDFY3 is on the minus strand). VCF-style: chr4-84716956-T-C. GRCh37 (hg19) VCF-style: chr4-85638109-T-C.
Other names: c.7815A>G (NM_014991.4).
Identifiers: ClinVar variation 2654864 (VCV002654864.25), dbSNP rs377182667, ClinGen allele CA2992538.

ClinVar aggregate classification (germline): Likely benign. Review status: criteria provided, single submitter (1 of 4 stars). 2 submissions from 2 submitters: Likely benign (1). 1 of the submissions does not count toward it. Last evaluated 2023-03-01.

Conditions:
WDFY3-related disorder.

Allele frequency attached by ClinVar (database versions not stated): gnomAD 0.00011; TOPMed 0.00014; ESP Exome Variant Server 0.00015; ExAC 0.00026; 1000 Genomes Project 30x 0.00031; 1000 Genomes Project 0.00040.
gnomAD v4.1: 299 of 1,609,052 alleles (0.019%); highest among the groups gnomAD compares: Middle Eastern, 0.2%; 1 homozygote.

Submissions (2):

CeGaT Center for Human Genetics Tuebingen
Classification: Likely benign. Last evaluated: 2023-03-01. Review status: criteria provided, single submitter. Criteria: CeGaT Center For Human Genetics Tuebingen Variant Classification Criteria Version 2. Collection method: clinical testing. Allele origin: germline. Affected: yes. Observed: 1 variant allele.
Comment: WDFY3: BP4, BP7, BS1

PreventionGenetics, part of Exact Sciences
Classification: Likely benign for WDFY3-related condition. Last evaluated: 2023-10-03. Review status: no assertion criteria provided. Collection method: clinical testing. Allele origin: germline. Not counted in ClinVar's aggregate classification.
Comment: This variant is classified as likely benign based on ACMG/AMP sequence variant interpretation guidelines (Richards et al. 2015 PMID: 25741868, with internal and published modifications).